The following is an entry in ClinVar:

ClinVar aggregate classification (germline): Uncertain significance (1 of 4 stars; one submission).

Conditions:
Cohen-Gibson syndrome (COGIS). Also called: EED-Related Overgrowth. Identifiers: Orphanet 659396, MedGen C4479654, MONDO:0060510, OMIM 617561.

Allele frequency attached by ClinVar (database versions not stated): gnomAD exomes below 0.00001; ExAC 0.00001; gnomAD 0.00001; TOPMed 0.00001.

Submission:

Labcorp Genetics (formerly Invitae), Labcorp
Classification: Uncertain significance for Cohen-Gibson syndrome. Last evaluated: 2024-03-04. Review status: criteria provided, single submitter. Criteria: Invitae Variant Classification Sherloc (09022015). Collection method: clinical testing. Allele origin: germline.
Comment: This sequence change replaces isoleucine, which is neutral and non-polar, with valine, which is neutral and non-polar, at codon 340 of the EED protein (p.Ile340Val). This variant is present in population databases (rs774560012, gnomAD 0.003%). This variant has not been reported in the literature in individuals affected with EED-related conditions. Advanced modeling of protein sequence and biophysical properties (such as structural, functional, and spatial information, amino acid conservation, physicochemical variation, residue mobility, and thermodynamic stability) performed at Invitae indicates that this missense variant is not expected to disrupt EED protein function with a negative predictive value of 80%. In summary, the available evidence is currently insufficient to determine the role of this variant in disease. Therefore, it has been classified as a Variant of Uncertain Significance.

NM_003797.5(EED):c.1018A>G (p.Ile340Val)

Gene: EED (embryonic ectoderm development; plus strand). Cytogenetic location: 11q14.2.
Variant type: single nucleotide variant.
Coding change: c.1018A>G on transcript NM_003797.5 (MANE Select); coding-DNA position 1018, A replaced by G.
Protein change: p.Ile340Val; replaces isoleucine 340 with valine.
Molecular consequence: missense variant.
Genome position (GRCh38, 1-based): chr11:86,277,031, A>G. VCF-style: chr11-86277031-A-G. GRCh37 (hg19) VCF-style: chr11-85988073-A-G.
Other names: c.1093A>G, p.Ile365Val (NM_001308007.2); c.778A>G, p.Ile260Val (NM_001330334.2); short protein forms I365V, I260V, I340V.
Identifiers: ClinVar variation 2864066 (VCV002864066.3), dbSNP rs774560012, ClinGen allele CA6216554.
Genomic context (GRCh38, chr11:86,277,031, plus strand): 5'-CTGTTTTAGTCTTGTGAAAATGCCATTGTGTGCTGGAAACCTGGCAAGATGGAAGATGAT[A>G]TAGATAAAATTAAACCCAGTGAATCTAATGTGACTATTCTTGGGCGATTTGATTACAGCC-3'
Protein context (NP_003788.2, residues 330-350): CWKPGKMEDD[Ile340Val]DKIKPSESNV